The following is an entry in ClinVar:

NM_006031.6(PCNT):c.328A>C (p.Asn110His)

Gene: PCNT (pericentrin; plus strand). Cytogenetic location: 21q22.3.
Variant type: single nucleotide variant.
Coding change: c.328A>C on transcript NM_006031.6 (MANE Select); coding-DNA position 328, A replaced by C.
Protein change: p.Asn110His; replaces asparagine 110 with histidine.
Molecular consequence: missense variant. On other transcripts: 5 prime UTR variant (1).
Genome position (GRCh38, 1-based): chr21:46,334,457, A>C. VCF-style: chr21-46334457-A-C. GRCh37 (hg19) VCF-style: chr21-47754371-A-C.
Other names: c.-27A>C (NM_001315529.2); short protein forms N110H.
Identifiers: ClinVar variation 3415868 (VCV003415868.2).

ClinVar aggregate classification (germline): Uncertain significance. Review status: criteria provided, multiple submitters, no conflicts (2 of 4 stars). 2 submissions from 2 submitters: Uncertain significance (2). Last evaluated 2025-06-13.

Conditions:
Inborn genetic diseases. Identifiers: MedGen C0950123, MeSH D030342.
PCNT-related disorder. Also called: PCNT-related condition.

gnomAD v4.1: 18 of 1,614,250 alleles (0.0011%); highest among the groups gnomAD compares: African/African-American, 0.021%; no homozygotes.

Submissions (2):

PreventionGenetics, part of Exact Sciences
Classification: Uncertain significance for PCNT-related condition. Last evaluated: 2025-06-13. Review status: criteria provided, single submitter. Criteria: ACMG Guidelines, 2015. Collection method: clinical testing. Allele origin: germline.
Comment: The PCNT c.328A>C variant is predicted to result in the amino acid substitution p.Asn110His. To our knowledge, this variant has not been reported in the literature. This variant is reported in 0.028% of alleles in individuals of African descent in gnomAD. At this time, the clinical significance of this variant is uncertain due to the absence of conclusive functional and genetic evidence.

Ambry Genetics
Classification: Uncertain significance for Inborn genetic diseases. Last evaluated: 2024-06-26. Review status: criteria provided, single submitter. Criteria: Ambry Variant Classification Scheme 2023. Collection method: clinical testing. Allele origin: germline.